The following is an entry in ClinVar:

ClinVar aggregate classification (germline): Uncertain significance. Review status: criteria provided, multiple submitters, no conflicts (2 of 4 stars). 2 submissions from 2 submitters: Uncertain significance (2). Last evaluated 2026-07-30.

Conditions:
Inborn genetic diseases. Identifiers: MedGen C0950123, MeSH D030342.
Metachromatic leukodystrophy (MLD). Also called: Cerebral sclerosis diffuse metachromatic form; Arylsulfatase A Deficiency; ARSA DEFICIENCY; CEREBROSIDE SULFATASE DEFICIENCY; METACHROMATIC LEUKOENCEPHALOPATHY; SULFATIDE LIPIDOSIS. Identifiers: Orphanet 512, MedGen C0023522, MONDO:0018868, OMIM 250100.

Allele frequency attached by ClinVar (database versions not stated): gnomAD exomes below 0.00001.

Submissions (2):

Ambry Genetics
Classification: Uncertain significance for Inborn genetic diseases. Last evaluated: 2026-07-30. Review status: criteria provided, single submitter. Criteria: Ambry Variant Classification Scheme 2023. Collection method: clinical testing. Allele origin: germline.
Comment: The c.1439C>T (p.A480V) alteration is located in exon 8 (coding exon 8) of the ARSA gene. This alteration results from a C to T substitution at nucleotide position 1439, causing the alanine (A) at amino acid position 480 to be replaced by a valine (V). Based on data from gnomAD, the T allele has an overall frequency of <0.001% (1/246452) total alleles studied. The highest observed frequency was 0.003% (1/34318) of Latino alleles. This amino acid position is not well conserved in available vertebrate species. The in silico prediction for this alteration is inconclusive. Based on insufficient or conflicting evidence, the clinical significance of this alteration remains unclear.

Labcorp Genetics (formerly Invitae), Labcorp
Classification: Uncertain significance for Metachromatic leukodystrophy. Last evaluated: 2022-09-01. Review status: criteria provided, single submitter. Criteria: Invitae Variant Classification Sherloc (09022015). Collection method: clinical testing. Allele origin: germline.
Comment: This sequence change replaces alanine, which is neutral and non-polar, with valine, which is neutral and non-polar, at codon 480 of the ARSA protein (p.Ala480Val). This variant is present in population databases (no rsID available, gnomAD 0.003%). This variant has not been reported in the literature in individuals affected with ARSA-related conditions. ClinVar contains an entry for this variant (Variation ID: 1442120). Advanced modeling of protein sequence and biophysical properties (such as structural, functional, and spatial information, amino acid conservation, physicochemical variation, residue mobility, and thermodynamic stability) performed at Invitae indicates that this missense variant is expected to disrupt ARSA protein function. In summary, the available evidence is currently insufficient to determine the role of this variant in disease. Therefore, it has been classified as a Variant of Uncertain Significance.

NM_000487.6(ARSA):c.1439C>T (p.Ala480Val)

Gene: ARSA (arylsulfatase A; minus strand). Cytogenetic location: 22q13.33.
Variant type: single nucleotide variant.
Coding change: c.1439C>T on transcript NM_000487.6 (MANE Select); coding-DNA position 1439, C replaced by T.
Protein change: p.Ala480Val; replaces alanine 480 with valine.
Molecular consequence: missense variant.
Genome position (GRCh38, 1-based): chr22:50,625,236, G>A on the plus strand (C>T on the coding strand, the complement: ARSA is on the minus strand). VCF-style: chr22-50625236-G-A. GRCh37 (hg19) VCF-style: chr22-51063664-G-A.
Other names: c.1439C>T, p.Ala480Val (NM_001085425.3, NM_001085426.3, NM_001085427.3); c.1181C>T, p.Ala394Val (NM_001085428.3, NM_001362782.2); short protein forms A480V, A394V.
Identifiers: ClinVar variation 1442120 (VCV001442120.9), dbSNP rs1490565534, ClinGen allele CA412167483.
Genomic context (GRCh38, chr22:50,625,236, plus strand): 5'-GCTGGGCGGGGGGTGCAGCCAGGATGACAGCAGATCTGCAGGGCGGGGTCCTCGCCCCGG[G>A]CCACCTGGCTGGGGCCGAAGGTCACAGCTGCGTCTAACTGGGCCTTGAGCAGCTGAAGCT-3'
Protein context (NP_000478.3, residues 470-490): AAVTFGPSQV[Ala480Val]RGEDPALQIC